The following is an entry in ClinVar:

NM_003000.3(SDHB):c.582C>T (p.Thr194=)

Gene: SDHB (succinate dehydrogenase complex iron sulfur subunit B; minus strand). Cytogenetic location: 1p36.13.
Variant type: single nucleotide variant.
Coding change: c.582C>T on transcript NM_003000.3 (MANE Select); coding-DNA position 582, C replaced by T.
Protein change: p.Thr194=; no amino-acid change (threonine 194 retained).
Molecular consequence: synonymous variant.
Genome position (GRCh38, 1-based): chr1:17,024,033, G>A on the plus strand (C>T on the coding strand, the complement: SDHB is on the minus strand). VCF-style: chr1-17024033-G-A. GRCh37 (hg19) VCF-style: chr1-17350528-G-A.
Identifiers: ClinVar variation 704428 (VCV000704428.25), dbSNP rs775450654, ClinGen allele CA089674.

ClinVar aggregate classification (germline): Conflicting classifications of pathogenicity. Review status: criteria provided, conflicting classifications (1 of 4 stars). 4 submissions from 4 submitters: Uncertain significance (1); Benign (1); Likely benign (2). Last evaluated 2025-10-27.

Conditions:
Hereditary cancer-predisposing syndrome. Also called: Neoplastic Syndromes, Hereditary; Hereditary Cancer Syndrome; Hereditary neoplastic syndrome; Tumor predisposition. Identifiers: Orphanet 140162, MedGen C0027672, MeSH D009386, MONDO:0015356.
Gastrointestinal stromal tumor. Also called: Gastrointestinal stromal tumor, somatic; Gastrointestinal stroma tumor. Identifiers: Orphanet 44890, MedGen C0238198, MeSH D046152, MONDO:0011719, OMIM 606764, HP:0100723.
Pheochromocytoma/paraganglioma syndrome 4. Also called: SDHB-Related Hereditary Paraganglioma-Pheochromocytoma Syndrome (Paragangliomas 4); SDHB-Related Hereditary Paraganglioma-Pheochromocytoma Syndrome; CAROTID BODY TUMORS AND MULTIPLE EXTRAADRENAL PHEOCHROMOCYTOMAS; PARAGANGLIOMA, FAMILIAL MALIGNANT; PARAGANGLIOMAS, HEREDITARY EXTRAADRENAL; PHEOCHROMOCYTOMA, FAMILIAL EXTRAADRENAL. Identifiers: Orphanet 29072, MedGen C1861848, MONDO:0007273, OMIM 115310.
Pheochromocytoma. Also called: MAX-Related Hereditary Paraganglioma-Pheochromocytoma Syndrome. Identifiers: Orphanet 29072, MedGen C0031511, MONDO:0008233, OMIM 171300, HP:0002666.

Allele frequency attached by ClinVar (database versions not stated): ExAC 0.00002; TOPMed 0.00002.
gnomAD v4.1: 7 of 1,613,972 alleles (0.00043%); highest among the groups gnomAD compares: Admixed American, 0.012%; no homozygotes.

Submissions (4):

Labcorp Genetics (formerly Invitae), Labcorp
Classification: Likely benign for Gastrointestinal stromal tumor; Pheochromocytoma/paraganglioma syndrome 4; Pheochromocytoma. Last evaluated: 2025-10-27. Review status: criteria provided, single submitter. Criteria: Invitae Variant Classification Sherloc (09022015). Collection method: clinical testing. Allele origin: germline.

Myriad Genetics, Inc.
Classification: Benign for Pheochromocytoma/paraganglioma syndrome 4. Last evaluated: 2025-03-13. Review status: criteria provided, single submitter. Criteria: Myriad Autosomal Dominant, Autosomal Recessive and X-Linked Classification Criteria (2023). Collection method: clinical testing. Allele origin: unknown.
Comment: This variant is considered benign. This variant is a silent/synonymous amino acid change and it is not expected to impact splicing.

GeneDx
Classification: Uncertain significance. Last evaluated: 2022-08-31. Review status: criteria provided, single submitter. Criteria: GeneDx Variant Classification Process June 2021. Collection method: clinical testing. Allele origin: germline. Affected: yes.
Comment: In silico analysis supports that this variant does not alter splicing; Has not been previously published as pathogenic or benign to our knowledge

Ambry Genetics
Classification: Likely benign for Hereditary cancer-predisposing syndrome. Last evaluated: 2018-09-07. Review status: criteria provided, single submitter. Criteria: Ambry Variant Classification Scheme 2023. Collection method: clinical testing. Allele origin: germline.